The following is an entry in ClinVar:

NM_000875.5(IGF1R):c.*977C>T

Gene: IGF1R (insulin like growth factor 1 receptor; plus strand). Cytogenetic location: 15q26.3.
Variant type: single nucleotide variant.
Coding change: c.*977C>T on transcript NM_000875.5 (MANE Select); 977 bases downstream of the stop codon, C replaced by T.
Molecular consequence: 3 prime UTR variant.
Genome position (GRCh38, 1-based): chr15:98,958,419, C>T. VCF-style: chr15-98958419-C-T. GRCh37 (hg19) VCF-style: chr15-99501648-C-T.
Other names: c.*977C>T (NM_001291858.2).
Identifiers: ClinVar variation 888101 (VCV000888101.4), dbSNP rs148538142, ClinGen allele CA275334402.

ClinVar aggregate classification (germline): Benign (1 of 4 stars; one submission).

Conditions:
Growth delay due to insulin-like growth factor I resistance. Also called: Somatomedin end-organ insensitivity to; Somatomedin-c resistance to; IGF-1 resistance; IGF-I RESISTANCE; Insulin-Like Growth Factor I Resistance. Identifiers: Orphanet 73273, MedGen C1849157, MONDO:0010038, OMIM 270450.

Allele frequency attached by ClinVar (database versions not stated): gnomAD 0.00581 and 0.00622; TOPMed 0.00629; 1000 Genomes Project 0.00679.

Submission:

Illumina Laboratory Services, Illumina
Classification: Benign for Growth delay due to insulin-like growth factor I resistance. Last evaluated: 2017-04-27. Review status: criteria provided, single submitter. Criteria: ICSL Variant Classification Criteria 13 December 2019. Collection method: clinical testing. Allele origin: germline.
Comment: This variant was observed as part of a predisposition screen in an ostensibly healthy population. A literature search was performed for the gene, cDNA change, and amino acid change (where applicable). No publications were found based on this search. Allele frequency data from public databases was too high to be consistent with this variant causing disease. Therefore, this variant is classified as benign.